The following is an entry in ClinVar:

NM_018834.6(MATR3):c.1465G>A (p.Asp489Asn)

Gene: MATR3 (matrin 3; plus strand). Cytogenetic location: 5q31.2.
Variant type: single nucleotide variant.
Coding change: c.1465G>A on transcript NM_018834.6 (MANE Select); coding-DNA position 1465, G replaced by A.
Protein change: p.Asp489Asn; replaces aspartic acid 489 with asparagine.
Molecular consequence: missense variant.
Genome position (GRCh38, 1-based): chr5:139,319,364, G>A. VCF-style: chr5-139319364-G-A. GRCh37 (hg19) VCF-style: chr5-138655053-G-A.
Other names: c.1465G>A, p.Asp489Asn (NM_001400450.1, NM_001400451.1, NM_001400452.1 and 16 more transcripts); c.604G>A, p.Asp202Asn (NM_001400459.1); c.451G>A, p.Asp151Asn (NM_001400460.1, NM_001400462.1, NM_001400463.1 and 5 more transcripts); c.565G>A, p.Asp189Asn (NM_001400461.1); c.601G>A, p.Asp201Asn (NM_001194956.2); short protein forms D151N, D202N, D201N, D489N, D189N.
Identifiers: ClinVar variation 4741593 (VCV004741593.1).

ClinVar aggregate classification (germline): Uncertain significance (1 of 4 stars; one submission).

Conditions:
Amyotrophic lateral sclerosis type 21. Also called: MYOPATHY, DISTAL, 2; VOCAL CORD AND PHARYNGEAL DYSFUNCTION WITH DISTAL MYOPATHY. Identifiers: Orphanet 600, Orphanet 803, MedGen C3807521, MONDO:0011632, OMIM 606070.

Submission:

Labcorp Genetics (formerly Invitae), Labcorp
Classification: Uncertain significance for Amyotrophic lateral sclerosis type 21. Last evaluated: 2026-01-19. Review status: criteria provided, single submitter. Criteria: Invitae Variant Classification Sherloc (09022015). Collection method: clinical testing. Allele origin: germline.
Comment: This sequence change replaces aspartic acid, which is acidic and polar, with asparagine, which is neutral and polar, at codon 489 of the MATR3 protein (p.Asp489Asn). This variant is not present in population databases (gnomAD no frequency). This variant has not been reported in the literature in individuals affected with MATR3-related conditions. Invitae Evidence Modeling of protein sequence and biophysical properties (such as structural, functional, and spatial information, amino acid conservation, physicochemical variation, residue mobility, and thermodynamic stability) indicates that this missense variant is not expected to disrupt MATR3 protein function with a negative predictive value of 80%. In summary, the available evidence is currently insufficient to determine the role of this variant in disease. Therefore, it has been classified as a Variant of Uncertain Significance.